The following is an entry in ClinVar:

ClinVar aggregate classification (germline): Uncertain significance (1 of 4 stars; one submission).

Allele frequency attached by ClinVar (database versions not stated): gnomAD exomes below 0.00001.
gnomAD v4.1: 2 of 1,613,814 alleles (0.00012%); highest among the groups gnomAD compares: South Asian, 0.0022%; no homozygotes.

Submission:

Labcorp Genetics (formerly Invitae), Labcorp
Classification: Uncertain significance. Last evaluated: 2022-01-11. Review status: criteria provided, single submitter. Criteria: Invitae Variant Classification Sherloc (09022015). Collection method: clinical testing. Allele origin: germline.
Comment: Algorithms developed to predict the effect of missense changes on protein structure and function are either unavailable or do not agree on the potential impact of this missense change (SIFT: "Deleterious"; PolyPhen-2: "Possibly Damaging"; Align-GVGD: "Class C0"). In summary, the available evidence is currently insufficient to determine the role of this variant in disease. Therefore, it has been classified as a Variant of Uncertain Significance. Algorithms developed to predict the effect of sequence changes on RNA splicing suggest that this variant may create or strengthen a splice site. This variant has not been reported in the literature in individuals affected with FREM2-related conditions. This variant is present in population databases (no rsID available, gnomAD 0.003%). This sequence change replaces glycine, which is neutral and non-polar, with arginine, which is basic and polar, at codon 3116 of the FREM2 protein (p.Gly3116Arg).

NM_207361.6(FREM2):c.9346G>A (p.Gly3116Arg)

Gene: FREM2 (FRAS1 related extracellular matrix 2; plus strand). Cytogenetic location: 13q13.3.
Variant type: single nucleotide variant.
Coding change: c.9346G>A on transcript NM_207361.6 (MANE Select); coding-DNA position 9346, G replaced by A.
Protein change: p.Gly3116Arg; replaces glycine 3116 with arginine.
Molecular consequence: missense variant.
Genome position (GRCh38, 1-based): chr13:38,880,623, G>A. VCF-style: chr13-38880623-G-A. GRCh37 (hg19) VCF-style: chr13-39454760-G-A.
Other names: short protein forms G3116R.
Identifiers: ClinVar variation 2078734 (VCV002078734.4), dbSNP rs1303517212, ClinGen allele CA387911389.